The following is an entry in ClinVar:

NM_001267550.2(TTN):c.56648-1G>C

Genes: TTN (titin; minus strand), TTN-AS1 (TTN antisense RNA 1; plus strand). Cytogenetic location: 2q31.2.
Variant type: single nucleotide variant.
Coding change: c.56648-1G>C on transcript NM_001267550.2 (MANE Select); the canonical splice acceptor site of the intron before coding-DNA position 56648, G replaced by C.
Molecular consequence: splice acceptor variant.
Genome position (GRCh38, 1-based): chr2:178,599,063, C>G on the plus strand (G>C on the coding strand, the complement: TTN is on the minus strand). VCF-style: chr2-178599063-C-G. GRCh37 (hg19) VCF-style: chr2-179463790-C-G.
Other names: c.29453-1G>C (NM_003319.4); c.30029-1G>C (NM_133437.4); c.29828-1G>C (NM_133432.3); c.48944-1G>C (NM_133378.4); c.51725-1G>C (NM_001256850.1).
Identifiers: ClinVar variation 3895268 (VCV003895268.1).
Genomic context (GRCh38, chr2:178,599,063, plus strand): 5'-CAGTCATGGAGTTACGAGTCACGCTGCTAACTGTTGGTTTATCTGGTGCTCCAGGGACAG[C>G]TGTGAAAAAGATCATATTGATTATAAGAAATTTAAAAAAAAAGTAAAAATGGCTTTGTAT-3'

ClinVar aggregate classification (germline): Likely pathogenic (1 of 4 stars; one submission).

Conditions:
Cardiovascular phenotype. Identifiers: MedGen CN230736.

Submission:

Molecular Diagnostic Laboratory for Inherited Cardiovascular Disease, Montreal Heart Institute
Classification: Likely pathogenic for Cardiovascular phenotype. Last evaluated: 2024-04-15. Review status: criteria provided, single submitter. Criteria: ACMG Guidelines, 2015. Collection method: clinical testing. Allele origin: germline. Affected: yes.
Comment: PVS1_strong, PM2